The following is an entry in ClinVar:

ClinVar aggregate classification (germline): Benign. Review status: criteria provided, single submitter (1 of 4 stars). 2 submissions from 2 submitters: Benign (1). 1 of the submissions does not count toward it. Last evaluated 2025-09-02.

Conditions:
FGFRL1-related disorder. Also called: FGFRL1-related condition.

Allele frequency attached by ClinVar (database versions not stated): gnomAD exomes 0.00098; ExAC 0.00237; 1000 Genomes Project 0.00280; 1000 Genomes Project 30x 0.00344; gnomAD 0.00421; ESP Exome Variant Server 0.00433; TOPMed 0.00447.

Submissions (2):

Labcorp Genetics (formerly Invitae), Labcorp
Classification: Benign. Last evaluated: 2025-09-02. Review status: criteria provided, single submitter. Criteria: Invitae Variant Classification Sherloc (09022015). Collection method: clinical testing. Allele origin: germline.

PreventionGenetics, part of Exact Sciences
Classification: Benign for FGFRL1-related condition. Last evaluated: 2019-03-22. Review status: no assertion criteria provided. Collection method: clinical testing. Allele origin: germline. Not counted in ClinVar's aggregate classification.
Comment: This variant is classified as benign based on ACMG/AMP sequence variant interpretation guidelines (Richards et al. 2015 PMID: 25741868, with internal and published modifications).

NM_001004356.3(FGFRL1):c.95C>T (p.Ala32Val)

Gene: FGFRL1 (fibroblast growth factor receptor like 1; plus strand). Cytogenetic location: 4p16.3.
Variant type: single nucleotide variant.
Coding change: c.95C>T on transcript NM_001004356.3 (MANE Select); coding-DNA position 95, C replaced by T.
Protein change: p.Ala32Val; replaces alanine 32 with valine.
Molecular consequence: missense variant.
Genome position (GRCh38, 1-based): chr4:1,022,218, C>T. VCF-style: chr4-1022218-C-T. GRCh37 (hg19) VCF-style: chr4-1016006-C-T.
Other names: c.95C>T, p.Ala32Val (NM_001004358.1, NM_001370296.1, NM_021923.3); short protein forms A32V.
Identifiers: ClinVar variation 710923 (VCV000710923.11), dbSNP rs78299800, ClinGen allele CA2802574.